The following is an entry in ClinVar:

NM_181882.3(PRX):c.1251G>T (p.Leu417=)

Gene: PRX (periaxin; minus strand). Cytogenetic location: 19q13.2.
Variant type: single nucleotide variant.
Coding change: c.1251G>T on transcript NM_181882.3 (MANE Select); coding-DNA position 1251, G replaced by T.
Protein change: p.Leu417=; no amino-acid change (leucine 417 retained).
Molecular consequence: synonymous variant. On other transcripts: 3 prime UTR variant (1).
Genome position (GRCh38, 1-based): chr19:40,397,101, C>A on the plus strand (G>T on the coding strand, the complement: PRX is on the minus strand). VCF-style: chr19-40397101-C-A. GRCh37 (hg19) VCF-style: chr19-40903008-C-A.
Other names: c.*1456G>T (NM_020956.2); c.1251G>T (NM_181882.2).
Identifiers: ClinVar variation 1105904 (VCV001105904.12), dbSNP rs751470543, ClinGen allele CA9444297.

ClinVar aggregate classification (germline): Likely benign. Review status: criteria provided, multiple submitters, no conflicts (2 of 4 stars). 2 submissions from 2 submitters: Likely benign (2). Last evaluated 2025-09-15.

Conditions:
Dejerine-Sottas disease. Also called: DEJERINE-SOTTAS NEUROPATHY; HEREDITARY MOTOR AND SENSORY NEUROPATHY TYPE III; Charcot-Marie-Tooth disease type 3; HMSN Type III; Hereditary motor and sensory neuropathy 3. Identifiers: Orphanet 64748, MedGen C0011195, MONDO:0007790, OMIM 145900.
Charcot-Marie-Tooth disease type 4. Also called: Charcot-Marie-Tooth disease, type IV; Charcot-Marie-Tooth, Type 4. Identifiers: Orphanet 64749, MedGen C4082197, MONDO:0018995.

Allele frequency attached by ClinVar (database versions not stated): gnomAD 0.00001; ExAC 0.00002; gnomAD exomes 0.00002; TOPMed 0.00002.
gnomAD v4.1: 30 of 1,613,986 alleles (0.0019%); highest among the groups gnomAD compares: Middle Eastern, 0.066%; no homozygotes.

Submissions (2):

Labcorp Genetics (formerly Invitae), Labcorp
Classification: Likely benign for Charcot-Marie-Tooth disease type 4. Last evaluated: 2025-09-15. Review status: criteria provided, single submitter. Criteria: Invitae Variant Classification Sherloc (09022015). Collection method: clinical testing. Allele origin: germline.

ARUP Laboratories, Molecular Genetics and Genomics, ARUP Laboratories
Classification: Likely benign. Last evaluated: 2022-04-01. Review status: criteria provided, single submitter. Criteria: ARUP Molecular Germline Variant Investigation Process 2021. Collection method: clinical testing. Allele origin: germline.